The following is an entry in ClinVar:

NM_001267550.2(TTN):c.73636G>C (p.Asp24546His)

Genes: TTN (titin; minus strand), TTN-AS1 (TTN antisense RNA 1; plus strand). Cytogenetic location: 2q31.2.
Variant type: single nucleotide variant.
Coding change: c.73636G>C on transcript NM_001267550.2 (MANE Select); coding-DNA position 73636, G replaced by C.
Protein change: p.Asp24546His; replaces aspartic acid 24546 with histidine.
Molecular consequence: missense variant.
Genome position (GRCh38, 1-based): chr2:178,572,496, C>G on the plus strand (G>C on the coding strand, the complement: TTN is on the minus strand). VCF-style: chr2-178572496-C-G. GRCh37 (hg19) VCF-style: chr2-179437223-C-G.
Other names: c.68713G>C, p.Asp22905His (NM_001256850.1); c.46441G>C, p.Asp15481His (NM_003319.4); c.65932G>C, p.Asp21978His (NM_133378.4); c.46816G>C, p.Asp15606His (NM_133432.3); c.47017G>C, p.Asp15673His (NM_133437.4); short protein forms D24546H, D15606H, D15481H, D22905H, D15673H, D21978H.
Identifiers: ClinVar variation 467459 (VCV000467459.5), dbSNP rs1051495269, ClinGen allele CA60998401.
Genomic context (GRCh38, chr2:178,572,496, plus strand): 5'-ATGCTTTTCTTGTTGATTCCCGCTTTTCAACAATATAGTTCTTGATTTTTGAACCTCCAT[C>G]AAGGAGAGGTGGGTCCCATGTGAGTGTGACAGATGTCTTAGTGACCTCTTTTACCTTCAG-3'
Protein context (NP_001254479.2, residues 24536-24556): VTLTWDPPLL[Asp24546His]GGSKIKNYIV

ClinVar aggregate classification (germline): Uncertain significance. Review status: criteria provided, multiple submitters, no conflicts (2 of 4 stars). 2 submissions from 2 submitters: Uncertain significance (2). Last evaluated 2020-06-12.

Conditions:
Cardiovascular phenotype. Identifiers: MedGen CN230736.
Autosomal recessive limb-girdle muscular dystrophy type 2J (LGMDR10). Also called: Limb-girdle muscular dystrophy, type 2J; MUSCULAR DYSTROPHY, LIMB-GIRDLE, AUTOSOMAL RECESSIVE 10. Identifiers: Orphanet 140922, MedGen C1837342, MONDO:0012127, OMIM 608807.
Dilated cardiomyopathy 1G (CMD1G). Identifiers: Orphanet 154, MedGen C1858763, MONDO:0011400, OMIM 604145.

Allele frequency attached by ClinVar (database versions not stated): gnomAD exomes below 0.00001; gnomAD 0.00002; TOPMed 0.00002.
gnomAD v4.1: 6 of 1,613,138 alleles (0.00037%); highest among the groups gnomAD compares: African/African-American, 0.008%; no homozygotes.

Submissions (2):

Ambry Genetics
Classification: Uncertain significance for Cardiovascular phenotype. Last evaluated: 2020-06-12. Review status: criteria provided, single submitter. Criteria: Ambry Variant Classification Scheme 2023. Collection method: clinical testing. Allele origin: germline.
Comment: The p.D15481H variant (also known as c.46441G>C), located in coding exon 153 of the TTN gene, results from a G to C substitution at nucleotide position 46441. The aspartic acid at codon 15481 is replaced by histidine, an amino acid with similar properties. This amino acid position is highly conserved in available vertebrate species. In addition, the in silico prediction for this alteration is inconclusive. Since supporting evidence is limited at this time, the clinical significance of this alteration remains unclear.

Labcorp Genetics (formerly Invitae), Labcorp
Classification: Uncertain significance for Dilated cardiomyopathy 1G; Autosomal recessive limb-girdle muscular dystrophy type 2J. Last evaluated: 2017-06-06. Review status: criteria provided, single submitter. Criteria: Invitae Variant Classification Sherloc (09022015). Collection method: clinical testing. Allele origin: germline.